The following is an entry in ClinVar:

NM_000179.3(MSH6):c.-38C>G

Genes: MSH6 (mutS homolog 6; plus strand), LOC129933706 (ATAC-STARR-seq lymphoblastoid silent region 11467; plus strand). Cytogenetic location: 2p16.3.
Variant type: single nucleotide variant.
Coding change: c.-38C>G on transcript NM_000179.3 (MANE Select); 38 bases upstream of the start codon, C replaced by G.
Molecular consequence: 5 prime UTR variant.
Genome position (GRCh38, 1-based): chr2:47,783,196, C>G. VCF-style: chr2-47783196-C-G. GRCh37 (hg19) VCF-style: chr2-48010335-C-G.
Other names: c.-38C>G (NM_001281492.2); c.-774C>G (NM_001281493.2).
Identifiers: ClinVar variation 380202 (VCV000380202.1), dbSNP rs185538282, ClinGen allele CA072274.

ClinVar aggregate classification (germline): Likely benign (1 of 4 stars; one submission).

Allele frequency attached by ClinVar (database versions not stated): gnomAD exomes below 0.00001 and 0.00001; gnomAD 0.00001 and 0.00002; TOPMed 0.00001; ExAC 0.00002; ESP Exome Variant Server 0.00008; 1000 Genomes Project 0.00020; 1000 Genomes Project 30x 0.00031.
gnomAD v4.1: 9 of 1,609,374 alleles (0.00056%); highest among the groups gnomAD compares: Middle Eastern, 0.033%; no homozygotes.

Submission:

GeneDx
Classification: Likely benign. Last evaluated: 2016-03-09. Review status: criteria provided, single submitter. Criteria: GeneDx Variant Classification (06012015). Collection method: clinical testing. Allele origin: germline. Affected: yes.
Comment: This variant is considered likely benign or benign based on one or more of the following criteria: it is a conservative change, it occurs at a poorly conserved position in the protein, it is predicted to be benign by multiple in silico algorithms, and/or has population frequency not consistent with disease.